The following is an entry in ClinVar:

NM_001035.3(RYR2):c.4669T>A (p.Leu1557Met)

Gene: RYR2 (ryanodine receptor 2; plus strand). Cytogenetic location: 1q43.
Variant type: single nucleotide variant.
Coding change: c.4669T>A on transcript NM_001035.3 (MANE Select); coding-DNA position 4669, T replaced by A.
Protein change: p.Leu1557Met; replaces leucine 1557 with methionine.
Molecular consequence: missense variant.
Genome position (GRCh38, 1-based): chr1:237,602,097, T>A. VCF-style: chr1-237602097-T-A. GRCh37 (hg19) VCF-style: chr1-237765397-T-A.
Other names: short protein forms L1557M.
Identifiers: ClinVar variation 1480903 (VCV001480903.9), dbSNP rs947233100, ClinGen allele CA345401681.

ClinVar aggregate classification (germline): Uncertain significance (1 of 4 stars; one submission).

Conditions:
Catecholaminergic polymorphic ventricular tachycardia 1. Also called: VENTRICULAR TACHYCARDIA, CATECHOLAMINERGIC POLYMORPHIC, 1, WITH OR WITHOUT ATRIAL DYSFUNCTION AND/OR DILATED CARDIOMYOPATHY; RYR2-Related Catecholaminergic Polymorphic Ventricular Tachycardia; VENTRICULAR TACHYCARDIA, STRESS-INDUCED POLYMORPHIC 1. Identifiers: Orphanet 3286, MedGen C1631597, MONDO:0011484, OMIM 604772.

Submission:

Labcorp Genetics (formerly Invitae), Labcorp
Classification: Uncertain significance for Catecholaminergic polymorphic ventricular tachycardia 1. Last evaluated: 2023-12-11. Review status: criteria provided, single submitter. Criteria: Invitae Variant Classification Sherloc (09022015). Collection method: clinical testing. Allele origin: germline.
Comment: This sequence change replaces leucine, which is neutral and non-polar, with methionine, which is neutral and non-polar, at codon 1557 of the RYR2 protein (p.Leu1557Met). This variant is not present in population databases (gnomAD no frequency). This variant has not been reported in the literature in individuals affected with RYR2-related conditions. ClinVar contains an entry for this variant (Variation ID: 1480903). Advanced modeling of protein sequence and biophysical properties (such as structural, functional, and spatial information, amino acid conservation, physicochemical variation, residue mobility, and thermodynamic stability) has been performed at Invitae for this missense variant, however the output from this modeling did not meet the statistical confidence thresholds required to predict the impact of this variant on RYR2 protein function. In summary, the available evidence is currently insufficient to determine the role of this variant in disease. Therefore, it has been classified as a Variant of Uncertain Significance.